The following is an entry in ClinVar:

NM_201384.3(PLEC):c.1076C>G (p.Pro359Arg)

Gene: PLEC (plectin; minus strand). Cytogenetic location: 8q24.3.
Variant type: single nucleotide variant.
Coding change: c.1076C>G on transcript NM_201384.3 (MANE Select); coding-DNA position 1076, C replaced by G.
Protein change: p.Pro359Arg; replaces proline 359 with arginine.
Molecular consequence: missense variant.
Genome position (GRCh38, 1-based): chr8:143,934,411, G>C on the plus strand (C>G on the coding strand, the complement: PLEC is on the minus strand). VCF-style: chr8-143934411-G-C. GRCh37 (hg19) VCF-style: chr8-145008579-G-C.
Other names: c.1157C>G, p.Pro386Arg (NM_000445.5); c.1034C>G, p.Pro345Arg (NM_201378.4); c.1010C>G, p.Pro337Arg (NM_201379.3); c.1487C>G, p.Pro496Arg (NM_201380.4); c.980C>G, p.Pro327Arg (NM_201381.3); c.1076C>G, p.Pro359Arg (NM_201382.4); c.1088C>G, p.Pro363Arg (NM_201383.3); short protein forms P327R, P337R, P363R, P345R, P496R, P359R, P386R.
Identifiers: ClinVar variation 1512026 (VCV001512026.8), dbSNP rs1042165847, ClinGen allele CA187623209.

ClinVar aggregate classification (germline): Uncertain significance (1 of 4 stars; one submission).

Conditions:
Autosomal recessive limb-girdle muscular dystrophy type 2Q (LGMDR17). Also called: MUSCULAR DYSTROPHY, LIMB-GIRDLE, AUTOSOMAL RECESSIVE 17. Identifiers: Orphanet 254361, MedGen C3150989, MONDO:0013390, OMIM 613723.
Epidermolysis bullosa simplex, Ogna type (EBS5A). Also called: Pidermolysis bullosa simplex 5A, Ogna type; EPIDERMOLYSIS BULLOSA SIMPLEX 5A, OGNA TYPE. Identifiers: Orphanet 79401, MedGen C0432317, MONDO:0007555, OMIM 131950.
Epidermolysis bullosa simplex 5B, with muscular dystrophy (EBS5B). Also called: EPIDERMOLYSIS BULLOSA SIMPLEX AND LIMB-GIRDLE MUSCULAR DYSTROPHY; Epidermolysis bullosa simplex with muscular dystrophy. Identifiers: Orphanet 257, MedGen C2931072, MONDO:0009181, OMIM 226670.
Epidermolysis bullosa simplex 5C, with pyloric atresia (EBS5C). Also called: Epidermolysis bullosa simplex with pyloric atresia; PLEC-Related Epidermolysis Bullosa with Pyloric Atresia; PLEC1-Related Epidermolysis Bullosa with Pyloric Atresia. Identifiers: Orphanet 158684, MedGen C2677349, MONDO:0012807, OMIM 612138.
Epidermolysis bullosa simplex with nail dystrophy (EBS5D). Identifiers: MedGen C4225309, MONDO:0014661, OMIM 616487.

Allele frequency attached by ClinVar (database versions not stated): gnomAD exomes below 0.00001.
gnomAD v4.1: 1 of 1,610,636 alleles (0.000062%); highest among the groups gnomAD compares: South Asian, 0.0011%; no homozygotes.

Submission:

Labcorp Genetics (formerly Invitae), Labcorp
Classification: Uncertain significance for Autosomal recessive limb-girdle muscular dystrophy type 2Q; Epidermolysis bullosa simplex, Ogna type; Epidermolysis bullosa simplex with nail dystrophy; Epidermolysis bullosa simplex 5C, with pyloric atresia; Epidermolysis bullosa simplex 5B, with muscular dystrophy. Last evaluated: 2021-06-09. Review status: criteria provided, single submitter. Criteria: Invitae Variant Classification Sherloc (09022015). Collection method: clinical testing. Allele origin: germline.
Comment: This variant is not present in population databases (ExAC no frequency). In summary, the available evidence is currently insufficient to determine the role of this variant in disease. Therefore, it has been classified as a Variant of Uncertain Significance. Algorithms developed to predict the effect of missense changes on protein structure and function are either unavailable or do not agree on the potential impact of this missense change (SIFT: "Deleterious"; PolyPhen-2: "Not Available"; Align-GVGD: "Class C0"). This variant has not been reported in the literature in individuals with PLEC-related conditions. This sequence change replaces proline with arginine at codon 386 of the PLEC protein (p.Pro386Arg). The proline residue is highly conserved and there is a moderate physicochemical difference between proline and arginine.